The following is an entry in ClinVar:

NM_012330.4(KAT6B):c.1393A>G (p.Arg465Gly)

Gene: KAT6B (lysine acetyltransferase 6B; plus strand). Cytogenetic location: 10q22.2.
Variant type: single nucleotide variant.
Coding change: c.1393A>G on transcript NM_012330.4 (MANE Select); coding-DNA position 1393, A replaced by G.
Protein change: p.Arg465Gly; replaces arginine 465 with glycine.
Molecular consequence: missense variant. On other transcripts: intron variant (11).
Genome position (GRCh38, 1-based): chr10:74,975,730, A>G. VCF-style: chr10-74975730-A-G. GRCh37 (hg19) VCF-style: chr10-76735488-A-G.
Other names: c.1393A>G, p.Arg465Gly (NM_001256468.2, NM_001370136.1, NM_001370137.1 and 1 more transcripts); c.1117+276A>G (NM_001370139.1, NM_001370140.1, NM_001370141.1 and 3 more transcripts); c.846+5955A>G (NM_001370133.1); c.193-3494A>G (NM_001370134.1); c.929-1586A>G (NM_001370143.1, NM_001370144.1); c.193-13289A>G (NM_001370135.1); short protein forms R465G.
Identifiers: ClinVar variation 3614266 (VCV003614266.2).

ClinVar aggregate classification (germline): Uncertain significance (1 of 4 stars; one submission).

Conditions:
Genitopatellar syndrome (GTPTS). Also called: ABSENT PATELLAE, SCROTAL HYPOPLASIA, RENAL ANOMALIES, FACIAL DYSMORPHISM, AND MENTAL RETARDATION; Genitopatellar syndrome (GPS). Identifiers: Orphanet 85201, MedGen C1853566, MONDO:0011640, OMIM 606170.

gnomAD v4.1: 3 of 1,614,222 alleles (0.00019%); highest among the groups gnomAD compares: African/African-American, 0.0013%; no homozygotes.

Submission:

Labcorp Genetics (formerly Invitae), Labcorp
Classification: Uncertain significance for Genitopatellar syndrome. Last evaluated: 2024-05-15. Review status: criteria provided, single submitter. Criteria: Invitae Variant Classification Sherloc (09022015). Collection method: clinical testing. Allele origin: germline.
Comment: This sequence change replaces arginine, which is basic and polar, with glycine, which is neutral and non-polar, at codon 465 of the KAT6B protein (p.Arg465Gly). This variant is present in population databases (rs372552134, gnomAD 0.007%). This variant has not been reported in the literature in individuals affected with KAT6B-related conditions. An algorithm developed to predict the effect of missense changes on protein structure and function (PolyPhen-2) suggests that this variant is likely to be tolerated. In summary, the available evidence is currently insufficient to determine the role of this variant in disease. Therefore, it has been classified as a Variant of Uncertain Significance.